The following is an entry in ClinVar:

NM_024675.4(PALB2):c.40A>G (p.Lys14Glu)

Gene: PALB2 (partner and localizer of BRCA2; minus strand). Cytogenetic location: 16p12.2.
Variant type: single nucleotide variant.
Coding change: c.40A>G on transcript NM_024675.4 (MANE Select); coding-DNA position 40, A replaced by G.
Protein change: p.Lys14Glu; replaces lysine 14 with glutamic acid.
Molecular consequence: missense variant.
Genome position (GRCh38, 1-based): chr16:23,641,118, T>C on the plus strand (A>G on the coding strand, the complement: PALB2 is on the minus strand). VCF-style: chr16-23641118-T-C. GRCh37 (hg19) VCF-style: chr16-23652439-T-C.
Other names: short protein forms K14E.
Identifiers: ClinVar variation 185246 (VCV000185246.25), dbSNP rs786202029, ClinGen allele CA191437.

ClinVar aggregate classification (germline): Uncertain significance. Review status: criteria provided, multiple submitters, no conflicts (2 of 4 stars). 6 submissions from 6 submitters: Uncertain significance (6). Last evaluated 2026-04-02.

Conditions:
Hereditary cancer-predisposing syndrome. Also called: Tumor predisposition; Neoplastic Syndromes, Hereditary; Hereditary Cancer Syndrome; Hereditary neoplastic syndrome. Identifiers: Orphanet 140162, MedGen C0027672, MeSH D009386, MONDO:0015356.
Familial cancer of breast. Also called: Hereditary breast cancer; BREAST CANCER, FAMILIAL; hereditary breast carcinoma. Identifiers: Orphanet 227535, MedGen C0346153, MONDO:0016419, OMIM 114480. Disease mechanism: loss of function.

Allele frequency attached by ClinVar (database versions not stated): gnomAD exomes below 0.00001 and 0.00001; ExAC 0.00001; gnomAD 0.00001.
gnomAD v4.1: 10 of 1,613,264 alleles (0.00062%); highest among the groups gnomAD compares: Non-Finnish European, 0.00085%; no homozygotes.

Submissions (6):

Women's Health and Genetics/Laboratory Corporation of America, LabCorp
Classification: Uncertain significance. Last evaluated: 2026-04-02. Review status: criteria provided, single submitter. Criteria: LabCorp Variant Classification Summary - May 2015. Collection method: clinical testing. Allele origin: germline.

Ambry Genetics
Classification: Uncertain significance for Hereditary cancer-predisposing syndrome. Last evaluated: 2025-06-05. Review status: criteria provided, single submitter. Criteria: Ambry Variant Classification Scheme 2023. Collection method: clinical testing. Allele origin: germline.
Comment: The p.K14E variant (also known as c.40A>G), located in coding exon 1 of the PALB2 gene, results from an A to G substitution at nucleotide position 40. The lysine at codon 14 is replaced by glutamic acid, an amino acid with similar properties. This amino acid position is highly conserved in available vertebrate species. In addition, this alteration is predicted to be tolerated by in silico analysis. Based on the available evidence, the clinical significance of this variant remains unclear.

Labcorp Genetics (formerly Invitae), Labcorp
Classification: Uncertain significance for Familial cancer of breast. Last evaluated: 2024-11-10. Review status: criteria provided, single submitter. Criteria: Invitae Variant Classification Sherloc (09022015). Collection method: clinical testing. Allele origin: germline.
Comment: This sequence change replaces lysine, which is basic and polar, with glutamic acid, which is acidic and polar, at codon 14 of the PALB2 protein (p.Lys14Glu). This variant is present in population databases (rs786202029, gnomAD 0.0009%). This variant has not been reported in the literature in individuals affected with PALB2-related conditions. ClinVar contains an entry for this variant (Variation ID: 185246). An algorithm developed to predict the effect of missense changes on protein structure and function (PolyPhen-2) suggests that this variant is likely to be disruptive. In summary, the available evidence is currently insufficient to determine the role of this variant in disease. Therefore, it has been classified as a Variant of Uncertain Significance.

Quest Diagnostics Nichols Institute San Juan Capistrano
Classification: Uncertain significance. Last evaluated: 2024-07-03. Review status: criteria provided, single submitter. Criteria: Quest Diagnostics criteria. Collection method: clinical testing. Allele origin: unknown.
Comment: The PALB2 c.40A>G (p.Lys14Glu) variant has been reported in the published literature in an individual with breast cancer (PMID: 33471991 (2021), see also LOVD). The frequency of this variant in the general population, 0.000004 (1/247884 chromosomes (Genome Aggregation Database)), is uninformative in the assessment of its pathogenicity. Analysis of this variant using bioinformatics tools for the prediction of the effect of amino acid changes on protein structure and function yielded conflicting predictions that this variant is benign or damaging. Based on the available information, we are unable to determine the clinical significance of this variant.

Color Diagnostics, LLC DBA Color Health
Classification: Uncertain significance for Hereditary cancer-predisposing syndrome. Last evaluated: 2023-12-05. Review status: criteria provided, single submitter. Criteria: ACMG Guidelines, 2015. Collection method: clinical testing. Allele origin: germline.
Comment: This missense variant replaces lysine with glutamic acid at codon 14 of the PALB2 protein. Computational prediction suggests that this variant may not impact protein structure and function (internally defined REVEL score threshold <= 0.5, PMID: 27666373). To our knowledge, functional studies have not been reported for this variant. This variant has not been reported in individuals affected with PALB2-related disorders in the literature. This variant has been identified in 1/247884 chromosomes in the general population by the Genome Aggregation Database (gnomAD). The available evidence is insufficient to determine the role of this variant in disease conclusively. Therefore, this variant is classified as a Variant of Uncertain Significance.

GeneDx
Classification: Uncertain significance. Last evaluated: 2021-06-15. Review status: criteria provided, single submitter. Criteria: GeneDx Variant Classification Process June 2021. Collection method: clinical testing. Allele origin: germline. Affected: yes.
Comment: Not observed at significant frequency in large population cohorts (Lek 2016); In silico analysis supports that this missense variant does not alter protein structure/function; Has not been previously published as pathogenic or benign to our knowledge; This variant is associated with the following publications: (PMID: 27535533, 20871615, 19369211)

Literature cited by the submitters: PubMed 33471991 (cited by Quest Diagnostics Nichols Institute San Juan Capistrano).